The following is an entry in ClinVar:

NC_000021.8:g.(?_45705880)_(45711103_?)del

Gene: AIRE (autoimmune regulator; plus strand). Cytogenetic location: 21q22.3.
Variant type: Deletion.
Identifiers: ClinVar variation 2422995 (VCV002422995.3).

ClinVar aggregate classification (germline): Pathogenic (1 of 4 stars; one submission).

Conditions:
Polyglandular autoimmune syndrome, type 1 (APS1). Also called: Autoimmune polyendocrine syndrome type 1; Autoimmune polyendocrinopathy syndrome, type I; HYPOADRENOCORTICISM WITH HYPOPARATHYROIDISM AND SUPERFICIAL MONILIASIS; PGA I; Autoimmune polyendocrinopathy syndrome , type I, with or without reversible metaphyseal dysplasia; APS I. Identifiers: Orphanet 3453, MedGen C0085859, MONDO:0009411, OMIM 240300.

Submission:

Labcorp Genetics (formerly Invitae), Labcorp
Classification: Pathogenic for Polyglandular autoimmune syndrome, type 1. Last evaluated: 2022-09-16. Review status: criteria provided, single submitter. Criteria: Invitae Variant Classification Sherloc (09022015). Collection method: clinical testing. Allele origin: germline.
Comment: This variant is a gross deletion of the genomic region encompassing exon(s) 1-8 of the AIRE gene, which includes the initiator codon. This deletion extends beyond the assayed region for this gene and therefore may encompass additional genes. It is expected to result in an absent or disrupted protein product. Loss-of-function variants in AIRE are known to be pathogenic (PMID: 11524731, 26141571). A similar copy number variant has been observed in individual(s) with autoimmune polyendocrinopathy with candidiasis and ectodermal dysplasia (Invitae). For these reasons, this variant has been classified as Pathogenic.

Literature cited by the submitters: PubMed 11524731; PubMed 26141571.